The following is an entry in ClinVar:

NM_000540.3(RYR1):c.13667T>C (p.Leu4556Pro)

Gene: RYR1 (ryanodine receptor 1; plus strand). Cytogenetic location: 19q13.2.
Variant type: single nucleotide variant.
Coding change: c.13667T>C on transcript NM_000540.3 (MANE Select); coding-DNA position 13667, T replaced by C.
Protein change: p.Leu4556Pro; replaces leucine 4556 with proline.
Molecular consequence: missense variant.
Genome position (GRCh38, 1-based): chr19:38,570,614, T>C. VCF-style: chr19-38570614-T-C. GRCh37 (hg19) VCF-style: chr19-39061254-T-C.
Other names: c.13652T>C, p.Leu4551Pro (NM_001042723.2); short protein forms L4551P, L4556P.
Identifiers: ClinVar variation 3382725 (VCV003382725.3).

ClinVar aggregate classification (germline): Likely pathogenic (1 of 4 stars; one submission).

Conditions:
Malignant hyperthermia, susceptibility to, 1 (MHS1). Also called: Malignant hyperthermia suceptibility 1; Anesthesia related hyperthermia; Malignant hyperpyrexia; Fulminating hyperpyrexia; Pharmacogenic myopathy; RYR1-Related Malignant Hyperthermia Susceptibility. Identifiers: Orphanet 423, MedGen C2930980, MONDO:0007783, OMIM 145600.
Central core myopathy (CMYO1A). Also called: CONGENITAL MYOPATHY 1A, AUTOSOMAL DOMINANT, WITH SUSCEPTIBILITY TO MALIGNANT HYPERTHERMIA; Central core disease; Myopathy, central fibrillar. Identifiers: Orphanet 597, MedGen C5830701, MONDO:0007294, OMIM 117000.
Congenital multicore myopathy with external ophthalmoplegia (CMYO1B). Also called: MULTIMINICORE DISEASE WITH EXTERNAL OPHTHALMOPLEGIA; Congenital myopathy 1B, autosomal recessive; Minicore myopathy; MULTICORE MYOPATHY; Minicore myopathy with external ophthalmoplegia. Identifiers: Orphanet 598, Orphanet 98905, MedGen C1850674, MONDO:0009712, OMIM 255320, HP:0003789.
King Denborough syndrome (KDS). Identifiers: MedGen C1840365, MONDO:0020485, OMIM 619542.

Submission:

Juno Genomics, Hangzhou Juno Genomics, Inc
Classification: Likely pathogenic for Central core myopathy; Congenital multicore myopathy with external ophthalmoplegia; Malignant hyperthermia, susceptibility to, 1; King Denborough syndrome. Review status: criteria provided, single submitter. Criteria: ACMG Guidelines, 2015. Collection method: clinical testing. Allele origin: germline.
Comment: Absent from controls (or at extremely low frequency if recessive) in Genome Aggregation Database.;Multiple lines of computational evidence support a deleterious effect on the gene or gene product.;Missense variant in a gene that has a low rate of benign missense variation.